The following is an entry in ClinVar:

ClinVar aggregate classification (germline): Uncertain significance (1 of 4 stars; one submission).

Conditions:
Inborn genetic diseases. Identifiers: MedGen C0950123, MeSH D030342.

Allele frequency attached by ClinVar (database versions not stated): gnomAD 0.00013; gnomAD exomes 0.00013; ESP Exome Variant Server 0.00015; TOPMed 0.00017; ExAC 0.00035.
gnomAD v4.1: 213 of 1,612,554 alleles (0.013%); highest among the groups gnomAD compares: Non-Finnish European, 0.016%; no homozygotes.

Submission:

Ambry Genetics
Classification: Uncertain significance for Inborn genetic diseases. Last evaluated: 2024-08-01. Review status: criteria provided, single submitter. Criteria: Ambry Variant Classification Scheme 2023. Collection method: clinical testing. Allele origin: germline.
Comment: Not expected to trigger nonsense-mediated mRNA decay Based on insufficient or conflicting evidence, the clinical significance of this alteration remains unclear.

NM_004204.5(PIGQ):c.*351C>T

Gene: PIGQ (phosphatidylinositol glycan anchor biosynthesis class Q; plus strand). Cytogenetic location: 16p13.3.
Variant type: single nucleotide variant.
Coding change: c.*351C>T on transcript NM_004204.5 (MANE Select); 351 bases downstream of the stop codon, C replaced by T.
Molecular consequence: 3 prime UTR variant. On other transcripts: nonsense (1).
Genome position (GRCh38, 1-based): chr16:583,386, C>T. VCF-style: chr16-583386-C-T. GRCh37 (hg19) VCF-style: chr16-633386-C-T.
Other names: c.2035C>T, p.Gln679Ter (NM_148920.4); short protein forms Q679*.
Identifiers: ClinVar variation 2368704 (VCV002368704.3), dbSNP rs144676833, ClinGen allele CA7780601.